The following is an entry in ClinVar:

NM_007294.4(BRCA1):c.162G>T (p.Gln54His)

Gene: BRCA1 (BRCA1 DNA repair associated; minus strand). Cytogenetic location: 17q21.31.
Variant type: single nucleotide variant.
Coding change: c.162G>T on transcript NM_007294.4 (MANE Select); coding-DNA position 162, G replaced by T.
Protein change: p.Gln54His; replaces glutamine 54 with histidine.
Molecular consequence: missense variant. On other transcripts: non-coding transcript variant (1).
Genome position (GRCh38, 1-based): chr17:43,106,506, C>A on the plus strand (G>T on the coding strand, the complement: BRCA1 is on the minus strand). VCF-style: chr17-43106506-C-A. GRCh37 (hg19) VCF-style: chr17-41258523-C-A.
Other names: c.-27G>T (NM_001407571.1, NM_001407853.1, NM_001407879.1 and 58 more transcripts); c.162G>T, p.Gln54His (NM_001407581.1, NM_001407582.1, NM_001407583.1 and 168 more transcripts); c.21G>T, p.Gln7His (NM_001407692.1, NM_001407694.1, NM_001407695.1 and 99 more transcripts); short protein forms Q7H, Q54H.
Identifiers: ClinVar variation 865214 (VCV000865214.3), dbSNP rs772226744, ClinGen allele CA10601833.

Conditions:
Breast-ovarian cancer, familial, susceptibility to, 1 (BROVCA1). Also called: BRCA1 Hereditary Breast and Ovarian Cancer; OVARIAN CANCER, SUSCEPTIBILITY TO. Identifiers: Orphanet 145, MedGen C2676676, MONDO:0011450, OMIM 604370. Disease mechanism: loss of function.

Submission:

Brotman Baty Institute, University of Washington
No classification provided (evidence only). Condition: Breast-ovarian cancer, familial 1. Review status: no classification provided. Collection method: in vitro. Allele origin: not applicable. Functional consequence: functionally_normal.
ClinVar note: "not provided" was previously submitted as the classification for the variant. However, the classification appeared to be based only on an observation of functional data so it was converted to no classification on 2025-07-30.